The following is an entry in ClinVar:

NM_030640.3(DUSP16):c.1158C>T (p.Ser386=)

Gene: DUSP16 (dual specificity phosphatase 16; minus strand). Cytogenetic location: 12p13.2.
Variant type: single nucleotide variant.
Coding change: c.1158C>T on transcript NM_030640.3 (MANE Select); coding-DNA position 1158, C replaced by T.
Protein change: p.Ser386=; no amino-acid change (serine 386 retained).
Molecular consequence: synonymous variant.
Genome position (GRCh38, 1-based): chr12:12,477,673, G>A on the plus strand (C>T on the coding strand, the complement: DUSP16 is on the minus strand). VCF-style: chr12-12477673-G-A. GRCh37 (hg19) VCF-style: chr12-12630607-G-A.
Identifiers: ClinVar variation 2642737 (VCV002642737.24), dbSNP rs112390593, ClinGen allele CA6456707.

ClinVar aggregate classification (germline): Likely benign (1 of 4 stars; one submission).

Allele frequency attached by ClinVar (database versions not stated): 1000 Genomes Project 0.00180; 1000 Genomes Project 30x 0.00219; TOPMed 0.00645; gnomAD 0.00666; ExAC 0.00682; ESP Exome Variant Server 0.00838; gnomAD exomes 0.00875.

Submission:

CeGaT Center for Human Genetics Tuebingen
Classification: Likely benign. Last evaluated: 2023-02-01. Review status: criteria provided, single submitter. Criteria: CeGaT Center For Human Genetics Tuebingen Variant Classification Criteria Version 2. Collection method: clinical testing. Allele origin: germline. Affected: yes. Observed: 1 variant allele.
Comment: DUSP16: BP4, BP7, BS2